The following is an entry in ClinVar:

ClinVar aggregate classification (germline): Uncertain significance. Review status: reviewed by expert panel (3 of 4 stars). 3 submissions from 3 submitters: Uncertain significance (1). 2 of the submissions do not count toward it. Last evaluated 2023-12-21.

Conditions:
Mitochondrial disease. Also called: Mitochondrial disorder; Mitochondrial disorders. Identifiers: Orphanet 68380, MedGen C0751651, MeSH D028361, MONDO:0044970.
Myelodysplastic syndrome with ring sideroblasts. Also called: Acquired idiopathic sideroblastic anemia. Identifiers: Orphanet 75564, MedGen C4016601, MONDO:0019157.

Submissions (3):

ClinGen Mitochondrial Disease Nuclear and Mitochondrial  Variant Curation Expert Panel, ClinGen
Classification: Uncertain significance for Mitochondrial disease. Last evaluated: 2023-12-21. Review status: reviewed by expert panel. Criteria: McCormick et al. (Hum Mutat. 2020). Collection method: curation. Allele origin: germline. Inheritance: Mitochondrial inheritance.
Comment: The variant was present at 52% in bone marrow, 59% in peripheral blood, 71% in platelets, and was undetectable in buccal and fibroblasts. As this is the only case reported to date, PS4 could not be applied. There was no mention of family member testing precluding consideration for de novo status or segregation. The computational predictor APOGEE gives a consensus rating of pathogenic with a score of 0.63 (Min=0, Max=1), which predicts a damaging effect on gene function (PP3). This variant is absent in the GenBank dataset and gnomAD v3.1.2, and there is one heteroplasmic occurrence in the Helix dataset (0.001%, haplogroup I; PM2_supporting). There are no cybrids, single fiber studies, or other functional assays reported on this variant. In summary, this variant meets criteria to be classified as uncertain significance for primary mitochondrial disease inherited in a mitochondrial manner. This classification was approved by the NICHD/NINDS U24 ClinGen Mitochondrial Disease Variant Curation Expert Panel on December 21, 2023. Mitochondrial DNA-specific ACMG/AMP criteria applied (PMID: 32906214): PM2_supporting, PP3.

Mendelics
Classification: Uncertain significance. Last evaluated: 2022-05-04. Review status: criteria provided, single submitter. Criteria: Mendelics Assertion Criteria 2019. Collection method: clinical testing. Allele origin: germline. Not counted in ClinVar's aggregate classification.

OMIM
Classification: Pathogenic for SIDEROBLASTIC ANEMIA, ACQUIRED IDIOPATHIC. Last evaluated: 1997-12-15. Review status: no assertion criteria provided. Collection method: literature only. Allele origin: germline. Not counted in ClinVar's aggregate classification.

Literature cited by the submitters: PubMed 9389715 (cited by OMIM).

NC_012920.1(MT-CO1):m.6742T>C

Gene: MT-CO1 (mitochondrially encoded cytochrome c oxidase I; plus strand).
Variant type: single nucleotide variant.
Genome position: chrM-6742-T-C.
Identifiers: ClinVar variation 9664 (VCV000009664.3), dbSNP rs199476126, ClinGen allele CA120608.